The following is an entry in ClinVar:

NM_017617.5(NOTCH1):c.1669+5G>A

Gene: NOTCH1 (notch receptor 1; minus strand). Cytogenetic location: 9q34.3.
Variant type: single nucleotide variant.
Coding change: c.1669+5G>A on transcript NM_017617.5 (MANE Select); 5 bases into the intron after coding-DNA position 1669, G replaced by A.
Molecular consequence: intron variant.
Genome position (GRCh38, 1-based): chr9:136,515,976, C>T on the plus strand (G>A on the coding strand, the complement: NOTCH1 is on the minus strand). VCF-style: chr9-136515976-C-T. GRCh37 (hg19) VCF-style: chr9-139410428-C-T.
Other names: c.1669+5G>A (LRG_1122t1).
Identifiers: ClinVar variation 520074 (VCV000520074.15), dbSNP rs771590616, ClinGen allele CA5341694.

ClinVar aggregate classification (germline): Conflicting classifications of pathogenicity. Review status: criteria provided, conflicting classifications (1 of 4 stars). 4 submissions from 4 submitters: Pathogenic (1); Uncertain significance (3). Last evaluated 2025-06-21.

Conditions:
Familial thoracic aortic aneurysm and aortic dissection (TAAD). Also called: Thoracic aortic aneurysms and dissections. Identifiers: Orphanet 91387, MedGen C4707243, MONDO:0019625.
NOTCH1-related disorder. Also called: NOTCH1-related condition; NOTCH1-related disorders.
Adams-Oliver syndrome 5 (AOS5). Identifiers: Orphanet 974, MedGen C4014970, MONDO:0014459, OMIM 616028.

Allele frequency attached by ClinVar (database versions not stated): ExAC 0.00001; gnomAD 0.00001.

Submissions (4):

PreventionGenetics, part of Exact Sciences
Classification: Uncertain significance for NOTCH1-related condition. Last evaluated: 2025-06-21. Review status: criteria provided, single submitter. Criteria: ACMG Guidelines, 2015. Collection method: clinical testing. Allele origin: germline.
Comment: The NOTCH1 c.1669+5G>A variant is predicted to interfere with splicing. This variant has been reported in an individual with Adams-Oliver syndrome and was inherited from the unaffected father and the grandmother with mitral valve defect (Family 26 in Figure S1, Meester et al. 2018. PubMed ID: 29924900). RT-PCR analysis found this variant resulted in exon skipping and an in-frame deletion of 38 amino acids (Figure S2, Meester et al. 2018. PubMed ID: 29924900). This variant has not been reported in a large population database (gnomAD), indicating this variant is rare. Although we suspect that this variant may be pathogenic, at this time, the clinical significance of this variant is uncertain due to the absence of conclusive functional and genetic evidence.

Ambry Genetics
Classification: Uncertain significance for Familial thoracic aortic aneurysm and aortic dissection. Last evaluated: 2021-09-30. Review status: criteria provided, single submitter. Criteria: Ambry Variant Classification Scheme 2023. Collection method: clinical testing. Allele origin: germline.
Comment: The c.1669+5G>A intronic variant results from a G to A substitution 5 nucleotides after coding exon 10 in the NOTCH1 gene. This variant was also detected in the proband's father who was indicated as unaffected and the maternal grandmother who had only mitral valve defect. The same study reported this variant to impact normal splicing, and mRNA studies predicted an in-frame deletion of exon 10 (Meester JAN et al. Hum Mutat. 2018 09;39(9):1246-1261). Internal RNA studies confirm that this variant leads to the in-frame skipping of a single exon (Ambry internal data). However, structural analysis indicates that this deletion of exon 10 effectively results in the loss of only one of the 36 EGF-like domains found in NOTCH1, and the importance of that particular EGF repeat is unclear (Ambry internal data). This nucleotide position is not well conserved in available vertebrate species. In silico splice site analysis for this alteration is inconclusive. Since supporting evidence is limited at this time, the clinical significance of this alteration remains unclear.

Labcorp Genetics (formerly Invitae), Labcorp
Classification: Uncertain significance for Adams-Oliver syndrome 5. Last evaluated: 2020-08-27. Review status: criteria provided, single submitter. Criteria: Invitae Variant Classification Sherloc (09022015). Collection method: clinical testing. Allele origin: germline.
Comment: Nucleotide substitutions within the consensus splice site are a relatively common cause of aberrant splicing (PMID: 17576681, 9536098). Algorithms developed to predict the effect of sequence changes on RNA splicing suggest that this variant may disrupt the consensus splice site, but this prediction has not been confirmed by published transcriptional studies. In summary, the available evidence is currently insufficient to determine the role of this variant in disease. Therefore, it has been classified as a Variant of Uncertain Significance. This variant has been observed in individual(s) with Adams–Oliver syndrome (PMID: 29924900). ClinVar contains an entry for this variant (Variation ID: 520074). This sequence change falls in intron 10 of the NOTCH1 gene. It does not directly change the encoded amino acid sequence of the NOTCH1 protein, but it affects a nucleotide within the consensus splice site of the intron. The frequency data for this variant in the population databases is considered unreliable, as metrics indicate poor data quality at this position in the ExAC database.

Centre of Medical Genetics, University of Antwerp
Classification: Pathogenic for Adams-Oliver syndrome 5. Last evaluated: 2017-12-01. Review status: criteria provided, single submitter. Criteria: Criteria for classifying variants, Center of Medical Genetics Antwerp, 2018. Collection method: research. Allele origin: paternal. Affected: yes.

Literature cited by the submitters: PubMed 17576681 (cited by Labcorp Genetics (formerly Invitae), Labcorp); PubMed 9536098 (cited by Labcorp Genetics (formerly Invitae), Labcorp); PubMed 29924900 (cited by Labcorp Genetics (formerly Invitae), Labcorp and Centre of Medical Genetics, University of Antwerp).